The following is an entry in ClinVar:

NM_007192.4(SUPT16H):c.2077C>T (p.Arg693Ter)

Gene: SUPT16H (SPT16 homolog, facilitates chromatin remodeling subunit; minus strand). Cytogenetic location: 14q11.2.
Variant type: single nucleotide variant.
Coding change: c.2077C>T on transcript NM_007192.4 (MANE Select); coding-DNA position 2077, C replaced by T.
Protein change: p.Arg693Ter; replaces arginine 693 with a stop codon.
Molecular consequence: nonsense.
Genome position (GRCh38, 1-based): chr14:21,360,513, G>A on the plus strand (C>T on the coding strand, the complement: SUPT16H is on the minus strand). VCF-style: chr14-21360513-G-A. GRCh37 (hg19) VCF-style: chr14-21828672-G-A.
Other names: short protein forms R693*.
Identifiers: ClinVar variation 2692480 (VCV002692480.1), dbSNP rs2503025907, ClinGen allele CA388863194.
Genomic context (GRCh38, chr14:21,360,513, plus strand): 5'-CACAGGGCTGGAACAAAGCATGCTTAATATTATTGTACAAAATATCCACTTTGTCTCCTC[G>A]AACAGATGTGAAGCGGAAGCCTGGGGAAAAGAATGAAGAAATGTCAAGCAGTATAATTAA-3'

ClinVar aggregate classification (germline): Likely pathogenic (1 of 4 stars; one submission).

Conditions:
Neurodevelopmental disorder with dysmorphic facies and thin corpus callosum. Identifiers: MedGen C5551361, MONDO:0859179, OMIM 619480.

Allele frequency attached by ClinVar (database versions not stated): gnomAD exomes below 0.00001.
gnomAD v4.1: 1 of 1,613,370 alleles (0.000062%); highest among the groups gnomAD compares: South Asian, 0.0011%; no homozygotes.

Submission:

Greenwood Genetic Center Diagnostic Laboratories, Greenwood Genetic Center
Classification: Likely pathogenic for Neurodevelopmental disorder with dysmorphic facies and thin corpus callosum. Last evaluated: 2023-11-28. Review status: criteria provided, single submitter. Criteria: ACMG Guidelines, 2015. Collection method: clinical testing. Allele origin: germline. Affected: yes.
Comment: PVS1, PM2